The following is an entry in ClinVar:

NM_052867.4(NALCN):c.3386G>A (p.Gly1129Glu)

Gene: NALCN (sodium leak channel, non-selective; minus strand). Cytogenetic location: 13q32.3.
Variant type: single nucleotide variant.
Coding change: c.3386G>A on transcript NM_052867.4 (MANE Select); coding-DNA position 3386, G replaced by A.
Protein change: p.Gly1129Glu; replaces glycine 1129 with glutamic acid.
Molecular consequence: missense variant.
Genome position (GRCh38, 1-based): chr13:101,089,850, C>T on the plus strand (G>A on the coding strand, the complement: NALCN is on the minus strand). VCF-style: chr13-101089850-C-T. GRCh37 (hg19) VCF-style: chr13-101742201-C-T.
Other names: c.3473G>A, p.Gly1158Glu (NM_001350748.2); c.3386G>A, p.Gly1129Glu (NM_001350749.2); c.3299G>A, p.Gly1100Glu (NM_001350750.2, NM_001350751.2); short protein forms G1100E, G1129E, G1158E.
Identifiers: ClinVar variation 5005211 (VCV005005211.2).

ClinVar aggregate classification (germline): Uncertain significance (1 of 4 stars; one submission).

Conditions:
Congenital contractures of the limbs and face, hypotonia, and developmental delay (CLIFAHDD). Identifiers: Orphanet 562528, MedGen C4225398, MONDO:0014556, OMIM 616266.

gnomAD v4.1: 1 of 1,614,032 alleles (0.000062%); highest among the groups gnomAD compares: Non-Finnish European, 0.000085%; no homozygotes.

Submission:

Juno Genomics, Hangzhou Juno Genomics, Inc
Classification: Uncertain significance for Congenital contractures of the limbs and face, hypotonia, and developmental delay. Review status: criteria provided, single submitter. Criteria: ACMG Guidelines, 2015. Collection method: clinical testing. Allele origin: germline.
Comment: Absent from controls (or at extremely low frequency if recessive) in Genome Aggregation Database.;Missense variant in a gene that has a low rate of benign missense variation.;Multiple lines of computational evidence support a deleterious effect on the gene or gene product.